The following is an entry in ClinVar:

NM_013447.4(ADGRE2):c.1769T>C (p.Ile590Thr)

Gene: ADGRE2 (adhesion G protein-coupled receptor E2; minus strand). Cytogenetic location: 19p13.12.
Variant type: single nucleotide variant.
Coding change: c.1769T>C on transcript NM_013447.4 (MANE Select); coding-DNA position 1769, T replaced by C.
Protein change: p.Ile590Thr; replaces isoleucine 590 with threonine.
Molecular consequence: missense variant.
Genome position (GRCh38, 1-based): chr19:14,752,348, A>G on the plus strand (T>C on the coding strand, the complement: ADGRE2 is on the minus strand). VCF-style: chr19-14752348-A-G. GRCh37 (hg19) VCF-style: chr19-14863160-A-G.
Other names: c.1595T>C, p.Ile532Thr (NM_001271052.1); c.1622T>C, p.Ile541Thr (NM_152916.2); c.1490T>C, p.Ile497Thr (NM_152917.2); short protein forms I497T, I532T, I541T, I590T.
Identifiers: ClinVar variation 3625744 (VCV003625744.2).

ClinVar aggregate classification (germline): Uncertain significance (1 of 4 stars; one submission).

gnomAD v4.1: 14 of 1,614,050 alleles (0.00087%); highest among the groups gnomAD compares: East Asian, 0.0022%; no homozygotes.

Submission:

Labcorp Genetics (formerly Invitae), Labcorp
Classification: Uncertain significance. Last evaluated: 2025-12-20. Review status: criteria provided, single submitter. Criteria: Invitae Variant Classification Sherloc (09022015). Collection method: clinical testing. Allele origin: germline.
Comment: This sequence change replaces isoleucine, which is neutral and non-polar, with threonine, which is neutral and polar, at codon 590 of the ADGRE2 protein (p.Ile590Thr). This variant is present in population databases (rs147337375, gnomAD 0.004%). This variant has not been reported in the literature in individuals affected with ADGRE2-related conditions. ClinVar contains an entry for this variant (Variation ID: 3625744). An algorithm developed to predict the effect of missense changes on protein structure and function (PolyPhen-2) suggests that this variant is likely to be disruptive. In summary, the available evidence is currently insufficient to determine the role of this variant in disease. Therefore, it has been classified as a Variant of Uncertain Significance.